The following is an entry in ClinVar:

NM_022455.5(NSD1):c.132T>C (p.Asn44=)

Gene: NSD1 (nuclear receptor binding SET domain protein 1; plus strand). Cytogenetic location: 5q35.3.
Variant type: single nucleotide variant.
Coding change: c.132T>C on transcript NM_022455.5 (MANE Select); coding-DNA position 132, T replaced by C.
Protein change: p.Asn44=; no amino-acid change (asparagine 44 retained).
Molecular consequence: synonymous variant. On other transcripts: intron variant (7).
Genome position (GRCh38, 1-based): chr5:177,135,235, T>C. VCF-style: chr5-177135235-T-C. GRCh37 (hg19) VCF-style: chr5-176562236-T-C.
Other names: c.132T>C, p.Asn44= (NM_001409301.1, NM_001409302.1, NM_001409303.1 and 1 more transcripts); c.-37+35T>C (NM_001409305.1, NM_001409306.1, NM_001409308.1 and 4 more transcripts).
Identifiers: ClinVar variation 4997328 (VCV004997328.1).

ClinVar aggregate classification (germline): Likely benign (1 of 4 stars; one submission).

Conditions:
NSD1-related disorder. Also called: NSD1-related condition.

Submission:

PreventionGenetics, part of Exact Sciences
Classification: Likely benign for NSD1-related condition. Last evaluated: 2025-02-03. Review status: criteria provided, single submitter. Criteria: ACMG Guidelines, 2015. Collection method: clinical testing. Allele origin: germline.
Comment: This variant is classified as likely benign based on ACMG/AMP sequence variant interpretation guidelines (Richards et al. 2015 PMID: 25741868, with internal and published modifications).